The following is an entry in ClinVar:

NM_000412.5(HRG):c.745C>T (p.His249Tyr)

Gene: HRG (histidine rich glycoprotein; plus strand). Cytogenetic location: 3q27.3.
Variant type: single nucleotide variant.
Coding change: c.745C>T on transcript NM_000412.5 (MANE Select); coding-DNA position 745, C replaced by T.
Protein change: p.His249Tyr; replaces histidine 249 with tyrosine.
Molecular consequence: missense variant.
Genome position (GRCh38, 1-based): chr3:186,677,050, C>T. VCF-style: chr3-186677050-C-T. GRCh37 (hg19) VCF-style: chr3-186394839-C-T.
Other names: short protein forms H249Y.
Identifiers: ClinVar variation 1684328 (VCV001684328.1), dbSNP rs2108584875, ClinGen allele CA355741882.

ClinVar aggregate classification (germline): Uncertain significance (0 of 4 stars; one submission).

Conditions:
Hereditary thrombophilia due to congenital histidine-rich (poly-L) glycoprotein deficiency. Also called: THROMBOPHILIA DUE TO HISTIDINE-RICH GLYCOPROTEIN DEFICIENCY; Thrombophilia due to HRG deficiency. Identifiers: Orphanet 217467, MedGen C2751090, MONDO:0013143, OMIM 613116.

Submission:

ISTH-SSC Genomics in Thrombosis and Hemostasis, KU Leuven, Center for Molecular and Vascular Biology
Classification: Uncertain significance for Hereditary thrombophilia due to congenital histidine-rich (poly-L) glycoprotein deficiency. Review status: no assertion criteria provided. Collection method: research. Allele origin: unknown. Affected: yes.
Comment: Submitted to GoldVariant by Dr Karyn Mégy from NIHR Bioresource - Cambridge University, UK